The following is an entry in ClinVar:

ClinVar aggregate classification (germline): Uncertain significance (1 of 4 stars; one submission).

Conditions:
LAMA2-related muscular dystrophy (LAMA2-RD). Also called: Laminin alpha 2-related dystrophy. Identifiers: MedGen C5679788, MONDO:0100228.

Allele frequency attached by ClinVar (database versions not stated): TOPMed below 0.00001; ExAC 0.00001; gnomAD 0.00001.
gnomAD v4.1: 11 of 1,614,056 alleles (0.00068%); highest among the groups gnomAD compares: Non-Finnish European, 0.00085%; no homozygotes.

Submission:

Labcorp Genetics (formerly Invitae), Labcorp
Classification: Uncertain significance for LAMA2-related muscular dystrophy. Last evaluated: 2022-02-08. Review status: criteria provided, single submitter. Criteria: Invitae Variant Classification Sherloc (09022015). Collection method: clinical testing. Allele origin: germline.
Comment: This sequence change replaces threonine, which is neutral and polar, with asparagine, which is neutral and polar, at codon 1409 of the LAMA2 protein (p.Thr1409Asn). This variant is present in population databases (rs780928505, gnomAD 0.01%). This variant has not been reported in the literature in individuals affected with LAMA2-related conditions. Advanced modeling of protein sequence and biophysical properties (such as structural, functional, and spatial information, amino acid conservation, physicochemical variation, residue mobility, and thermodynamic stability) performed at Invitae indicates that this missense variant is not expected to disrupt LAMA2 protein function. In summary, the available evidence is currently insufficient to determine the role of this variant in disease. Therefore, it has been classified as a Variant of Uncertain Significance.

NM_000426.4(LAMA2):c.4226C>A (p.Thr1409Asn)

Gene: LAMA2 (laminin subunit alpha 2; plus strand). Cytogenetic location: 6q22.33.
Variant type: single nucleotide variant.
Coding change: c.4226C>A on transcript NM_000426.4 (MANE Select); coding-DNA position 4226, C replaced by A.
Protein change: p.Thr1409Asn; replaces threonine 1409 with asparagine.
Molecular consequence: missense variant.
Genome position (GRCh38, 1-based): chr6:129,328,327, C>A. VCF-style: chr6-129328327-C-A. GRCh37 (hg19) VCF-style: chr6-129649472-C-A.
Other names: c.4226C>A, p.Thr1409Asn (NM_001079823.2); short protein forms T1409N.
Identifiers: ClinVar variation 2138283 (VCV002138283.1), dbSNP rs780928505, ClinGen allele CA3993487.